The following is an entry in ClinVar:

NM_213599.3(ANO5):c.822C>T (p.His274=)

Gene: ANO5 (anoctamin 5; plus strand). Cytogenetic location: 11p14.3.
Variant type: single nucleotide variant.
Coding change: c.822C>T on transcript NM_213599.3 (MANE Select); coding-DNA position 822, C replaced by T.
Protein change: p.His274=; no amino-acid change (histidine 274 retained).
Molecular consequence: synonymous variant.
Genome position (GRCh38, 1-based): chr11:22,239,628, C>T. VCF-style: chr11-22239628-C-T. GRCh37 (hg19) VCF-style: chr11-22261174-C-T.
Other names: c.819C>T, p.His273= (NM_001142649.2).
Identifiers: ClinVar variation 806631 (VCV000806631.42), dbSNP rs1590266413, ClinGen allele CA473402642.

ClinVar aggregate classification (germline): Likely benign (1 of 4 stars; one submission).

Allele frequency attached by ClinVar (database versions not stated): gnomAD exomes below 0.00001.
gnomAD v4.1: 1 of 1,613,012 alleles (0.000062%); highest among the groups gnomAD compares: Non-Finnish European, 0.000085%; no homozygotes.

Submission:

CeGaT Center for Human Genetics Tuebingen
Classification: Likely benign. Last evaluated: 2022-05-01. Review status: criteria provided, single submitter. Criteria: CeGaT Center For Human Genetics Tuebingen Variant Classification Criteria Version 2. Collection method: clinical testing. Allele origin: germline. Affected: yes. Observed: 2 variant alleles.
Comment: ANO5: PM2:Supporting, BP4, BP7